The following is an entry in ClinVar:

ClinVar aggregate classification (germline): Likely pathogenic (1 of 4 stars; one submission).

Conditions:
Hypogonadotropic hypogonadism 26 with or without anosmia (HH26). Identifiers: MedGen C5676903, MONDO:0030534, OMIM 619718.
TCF12-related craniosynostosis. Also called: Craniosynostosis 3. Identifiers: Orphanet 35098, Orphanet 35099, Orphanet 672979, MedGen C3715051, MONDO:0014128, OMIM 615314.

Submission:

Juno Genomics, Hangzhou Juno Genomics, Inc
Classification: Likely pathogenic for TCF12-related craniosynostosis; Hypogonadotropic hypogonadism 26 with or without anosmia. Review status: criteria provided, single submitter. Criteria: ACMG Guidelines, 2015. Collection method: clinical testing. Allele origin: germline. Affected: yes.
Comment: Absent from controls (or at extremely low frequency if recessive) in Genome Aggregation Database, Exome Sequencing Project, 1000 Genomes Project, or Exome Aggregation Consortium.;Null variant in a gene where loss of function (LOF) is a known mechanism of disease.

NM_207037.2(TCF12):c.1727C>A (p.Ser576Ter)

Gene: TCF12 (transcription factor 12; plus strand). Cytogenetic location: 15q21.3.
Variant type: single nucleotide variant.
Coding change: c.1727C>A on transcript NM_207037.2 (MANE Select); coding-DNA position 1727, C replaced by A.
Protein change: p.Ser576Ter; replaces serine 576 with a stop codon.
Molecular consequence: nonsense.
Genome position (GRCh38, 1-based): chr15:57,263,256, C>A. VCF-style: chr15-57263256-C-A. GRCh37 (hg19) VCF-style: chr15-57555454-C-A.
Other names: c.1217C>A, p.Ser406Ter (NM_001306219.3); c.947C>A, p.Ser316Ter (NM_001306220.3); c.1727C>A, p.Ser576Ter (NM_001322151.2, NM_001322152.2, NM_001322159.3 and 2 more transcripts); c.1070C>A, p.Ser357Ter (NM_001322154.2); c.1553C>A, p.Ser518Ter (NM_001322156.2); c.1655C>A, p.Ser552Ter (NM_001322157.3, NM_001322165.2, NM_003205.4 and 1 more transcripts); c.1481C>A, p.Ser494Ter (NM_001322158.2); c.1724C>A, p.Ser575Ter (NM_001322161.2); and 2 more; short protein forms S316*, S357*, S382*, S406*, S494*, S518*, S552*, S564*.
Identifiers: ClinVar variation 3764696 (VCV003764696.2).